The following is an entry in ClinVar:

NM_001231.5(CASQ1):c.364+5G>C

Gene: CASQ1 (calsequestrin 1; plus strand). Cytogenetic location: 1q23.2.
Variant type: single nucleotide variant.
Coding change: c.364+5G>C on transcript NM_001231.5 (MANE Select); 5 bases into the intron after coding-DNA position 364, G replaced by C.
Molecular consequence: intron variant.
Genome position (GRCh38, 1-based): chr1:160,192,891, G>C. VCF-style: chr1-160192891-G-C. GRCh37 (hg19) VCF-style: chr1-160162681-G-C.
Identifiers: ClinVar variation 1399019 (VCV001399019.6), dbSNP rs377312806, ClinGen allele CA1196143.

ClinVar aggregate classification (germline): Uncertain significance (1 of 4 stars; one submission).

Allele frequency attached by ClinVar (database versions not stated): gnomAD exomes 0.00001 and 0.00002; gnomAD 0.00002; ESP Exome Variant Server 0.00008.
gnomAD v4.1: 17 of 1,612,278 alleles (0.0011%); highest among the groups gnomAD compares: Middle Eastern, 0.017%; no homozygotes.

Submission:

Labcorp Genetics (formerly Invitae), Labcorp
Classification: Uncertain significance. Last evaluated: 2024-07-06. Review status: criteria provided, single submitter. Criteria: Invitae Variant Classification Sherloc (09022015). Collection method: clinical testing. Allele origin: germline.
Comment: This sequence change falls in intron 2 of the CASQ1 gene. It does not directly change the encoded amino acid sequence of the CASQ1 protein. It affects a nucleotide within the consensus splice site. This variant is present in population databases (rs377312806, gnomAD 0.02%). This variant has not been reported in the literature in individuals affected with CASQ1-related conditions. ClinVar contains an entry for this variant (Variation ID: 1399019). Variants that disrupt the consensus splice site are a relatively common cause of aberrant splicing (PMID: 17576681, 9536098). Algorithms developed to predict the effect of sequence changes on RNA splicing suggest that this variant is not likely to affect RNA splicing. In summary, the available evidence is currently insufficient to determine the role of this variant in disease. Therefore, it has been classified as a Variant of Uncertain Significance.

Literature cited by the submitters: PubMed 17576681; PubMed 9536098.